The following is an entry in ClinVar:

ClinVar aggregate classification (germline): Uncertain significance (1 of 4 stars; one submission).

Conditions:
Familial cold autoinflammatory syndrome 3 (FCAS3). Also called: FAMILIAL ATYPICAL COLD URTICARIA; ANTIBODY DEFICIENCY AND IMMUNE DYSREGULATION, PLCG2-ASSOCIATED. Identifiers: Orphanet 300359, MedGen C3280914, MONDO:0013766, OMIM 614468.

Submission:

Labcorp Genetics (formerly Invitae), Labcorp
Classification: Uncertain significance for Familial cold autoinflammatory syndrome 3. Last evaluated: 2022-03-28. Review status: criteria provided, single submitter. Criteria: Invitae Variant Classification Sherloc (09022015). Collection method: clinical testing. Allele origin: germline.
Comment: In summary, the available evidence is currently insufficient to determine the role of this variant in disease. Therefore, it has been classified as a Variant of Uncertain Significance. Experimental studies and prediction algorithms are not available or were not evaluated, and the functional significance of this variant is currently unknown. This variant has not been reported in the literature in individuals affected with PLCG2-related conditions. This variant results in a copy number gain of the genomic region encompassing exon(s) 3-13 of the PLCG2 gene. While the exact position of this variant cannot be determined from the data, sub-genic copy number gains are generally in tandem (PMID: 25640679). This variant is predicted to be out-of-frame, and may result in an absent or disrupted protein product. However, the current clinical and genetic evidence is not sufficient to establish whether loss-of-function variants in PLCG2 cause disease.

Literature cited by the submitters: PubMed 25640679.

NC_000016.9:g.(?_81888029)_(81929552_?)dup

Gene: PLCG2 (phospholipase C gamma 2; plus strand). Cytogenetic location: 16q23.3.
Variant type: Duplication.
Identifiers: ClinVar variation 1019952 (VCV001019952.8).